The following is an entry in ClinVar:

NM_001145306.2(CDK6):c.846A>G (p.Thr282=)

Gene: CDK6 (cyclin dependent kinase 6; minus strand). Cytogenetic location: 7q21.2.
Variant type: single nucleotide variant.
Coding change: c.846A>G on transcript NM_001145306.2 (MANE Select); coding-DNA position 846, A replaced by G.
Protein change: p.Thr282=; no amino-acid change (threonine 282 retained).
Molecular consequence: synonymous variant.
Genome position (GRCh38, 1-based): chr7:92,615,275, T>C on the plus strand (A>G on the coding strand, the complement: CDK6 is on the minus strand). VCF-style: chr7-92615275-T-C. GRCh37 (hg19) VCF-style: chr7-92244589-T-C.
Other names: c.846A>G, p.Thr282= (NM_001259.8).
Identifiers: ClinVar variation 434658 (VCV000434658.17), dbSNP rs55860121, ClinGen allele CA4342297.

ClinVar aggregate classification (germline): Likely benign. Review status: criteria provided, multiple submitters, no conflicts (2 of 4 stars). 3 submissions from 3 submitters: Likely benign (3). Last evaluated 2025-04-01.

Allele frequency attached by ClinVar (database versions not stated): ESP Exome Variant Server 0.00015; TOPMed 0.00036; gnomAD 0.00037 and 0.00038; 1000 Genomes Project 0.00040; ExAC 0.00045; 1000 Genomes Project 30x 0.00047; gnomAD exomes 0.00047 and 0.00071.
gnomAD v4.1: 1,107 of 1,613,478 alleles (0.069%); highest among the groups gnomAD compares: Middle Eastern, 0.3%; 4 homozygotes.

Submissions (3):

CeGaT Center for Human Genetics Tuebingen
Classification: Likely benign. Last evaluated: 2025-04-01. Review status: criteria provided, single submitter. Criteria: CeGaT Center For Human Genetics Tuebingen Variant Classification Criteria Version 2. Collection method: clinical testing. Allele origin: germline. Affected: yes. Observed: 1 variant allele.
Comment: CDK6: BP4, BP7

Labcorp Genetics (formerly Invitae), Labcorp
Classification: Likely benign. Last evaluated: 2019-12-31. Review status: criteria provided, single submitter. Criteria: Invitae Variant Classification Sherloc (09022015). Collection method: clinical testing. Allele origin: germline.

Genetic Services Laboratory, University of Chicago
Classification: Likely benign. Last evaluated: 2017-02-20. Review status: criteria provided, single submitter. Criteria: ACMG Guidelines, 2015. Collection method: clinical testing. Allele origin: germline. Affected: no.